The following is an entry in ClinVar:

NM_182943.3(PLOD2):c.325A>C (p.Met109Leu)

Gene: PLOD2 (procollagen-lysine,2-oxoglutarate 5-dioxygenase 2; minus strand). Cytogenetic location: 3q24.
Variant type: single nucleotide variant.
Coding change: c.325A>C on transcript NM_182943.3 (MANE Select); coding-DNA position 325, A replaced by C.
Protein change: p.Met109Leu; replaces methionine 109 with leucine.
Molecular consequence: missense variant.
Genome position (GRCh38, 1-based): chr3:146,121,125, T>G on the plus strand (A>C on the coding strand, the complement: PLOD2 is on the minus strand). VCF-style: chr3-146121125-T-G. GRCh37 (hg19) VCF-style: chr3-145838912-T-G.
Other names: c.325A>C, p.Met109Leu (NM_000935.3); short protein forms M109L.
Identifiers: ClinVar variation 1971405 (VCV001971405.2), dbSNP rs970211560, ClinGen allele CA84490433.

ClinVar aggregate classification (germline): Uncertain significance (1 of 4 stars; one submission).

Submission:

Labcorp Genetics (formerly Invitae), Labcorp
Classification: Uncertain significance. Last evaluated: 2022-07-08. Review status: criteria provided, single submitter. Criteria: Invitae Variant Classification Sherloc (09022015). Collection method: clinical testing. Allele origin: germline.
Comment: This sequence change replaces methionine, which is neutral and non-polar, with leucine, which is neutral and non-polar, at codon 109 of the PLOD2 protein (p.Met109Leu). This variant is present in population databases (no rsID available, gnomAD 0.002%). This variant has not been reported in the literature in individuals affected with PLOD2-related conditions. Algorithms developed to predict the effect of missense changes on protein structure and function output the following: SIFT: "Tolerated"; PolyPhen-2: "Benign"; Align-GVGD: "Class C0". The leucine amino acid residue is found in multiple mammalian species, which suggests that this missense change does not adversely affect protein function. In summary, the available evidence is currently insufficient to determine the role of this variant in disease. Therefore, it has been classified as a Variant of Uncertain Significance.